The following is an entry in ClinVar:

NM_058216.3(RAD51C):c.551_554delinsAAG (p.Ala184fs)

Gene: RAD51C (RAD51 paralog C; plus strand). Cytogenetic location: 17q22.
Variant type: Indel.
Coding change: c.551_554delinsAAG on transcript NM_058216.3 (MANE Select); coding-DNA positions 551 to 554, CAGA replaced by AAG.
Protein change: p.Ala184fs; shifts the reading frame from alanine 184.
Molecular consequence: frameshift variant.
Genome position (GRCh38, 1-based): chr17:58,696,839-58,696,842, CAGA replaced by AAG. VCF-style: chr17-58696839-CAGA-AAG. GRCh37 (hg19) VCF-style: chr17-56774200-CAGA-AAG.
Other names: short protein forms A184fs.
Identifiers: ClinVar variation 1748033 (VCV001748033.2), dbSNP rs2509283453, ClinGen allele CA2580094434.
Genomic context (GRCh38, chr17:58,696,839, plus strand): 5'-TTATGGTTGATAGAGTGGTAGACCTTGCTACTGCCTGCATTCAGCACCTTCAGCTTATAG[CAGA>AAG]AAAACACAAGGGAGAGGGTAAGTTAGTAAATGATCTTCTTTTTTTCTGTATTAATAAAAG-3'

ClinVar aggregate classification (germline): Pathogenic (1 of 4 stars; one submission).

Conditions:
Hereditary cancer-predisposing syndrome. Also called: Hereditary Cancer Syndrome; Hereditary neoplastic syndrome; Neoplastic Syndromes, Hereditary; Tumor predisposition. Identifiers: Orphanet 140162, MedGen C0027672, MeSH D009386, MONDO:0015356.

Submission:

Ambry Genetics
Classification: Pathogenic for Hereditary cancer-predisposing syndrome. Last evaluated: 2022-02-08. Review status: criteria provided, single submitter. Criteria: Ambry Variant Classification Scheme 2023. Collection method: clinical testing. Allele origin: germline.
Comment: The c.551_554delCAGAinsAAG pathogenic mutation, located in coding exon 3 of the RAD51C gene, results from the deletion of 4 nucleotides and insertion of 3 nucleotides causing a translational frameshift with a predicted alternate stop codon (p.A184Efs*55). This variant is considered to be rare based on population cohorts in the Genome Aggregation Database (gnomAD). This alteration is expected to result in loss of function by premature protein truncation or nonsense-mediated mRNA decay. As such, this alteration is interpreted as a disease-causing mutation.